The following is an entry in ClinVar:

NM_032638.5(GATA2):c.1018-2A>T

Gene: GATA2 (GATA binding protein 2; minus strand). Cytogenetic location: 3q21.3.
Variant type: single nucleotide variant.
Coding change: c.1018-2A>T on transcript NM_032638.5 (MANE Select); the canonical splice acceptor site of the intron before coding-DNA position 1018, A replaced by T.
Molecular consequence: splice acceptor variant. On other transcripts: intron variant (1).
Genome position (GRCh38, 1-based): chr3:128,481,946, T>A on the plus strand (A>T on the coding strand, the complement: GATA2 is on the minus strand). VCF-style: chr3-128481946-T-A. GRCh37 (hg19) VCF-style: chr3-128200789-T-A.
Other names: c.1018-44A>T (NM_001145662.1); c.1018-2A>T (NM_001145661.2).
Identifiers: ClinVar variation 1184182 (VCV001184182.2), dbSNP rs1576745322, ClinGen allele CA354413716.
Genomic context (GRCh38, chr3:128,481,946, plus strand): 5'-AAGGTGGTGGTTGTCGTCTGACAATTTGCACAACAGGTGCCGGCTCTTCTGGCGGCCGAC[T>A]GGGAGGGCAAGGCAGCGTCAGCAGGCTGGACTCCCACGCCCACCTCGACCCCCCTCCCTG-3'

ClinVar aggregate classification (germline): Pathogenic. Review status: criteria provided, multiple submitters, no conflicts (2 of 4 stars). 2 submissions from 2 submitters: Pathogenic (2). Last evaluated 2025-08-24.

Conditions:
Deafness-lymphedema-leukemia syndrome. Also called: Lymphedema, primary, with myelodysplasia; Emberger syndrome. Identifiers: Orphanet 3226, MedGen C3279664, MONDO:0013540, OMIM 614038.
GATA2 deficiency with susceptibility to MDS/AML. Identifiers: MedGen CN300066, MONDO:0042982.
Monocytopenia with susceptibility to infections. Also called: GATA2 DEFICIENCY; MONOCYTOPENIA AND MYCOBACTERIAL INFECTION SYNDROME; MONOCYTOPENIA WITH SUSCEPTIBILITY TO MYCOBACTERIAL, FUNGAL, AND PAPILLOMAVIRUS INFECTIONS AND MYELODYSPLASIA; COMBINED IMMUNODEFICIENCY WITH SUSCEPTIBILITY TO MYCOBACTERIAL, VIRAL, AND FUNGAL INFECTIONS; Dendritic cell, monocyte, B lymphocyte, and natural killer lymphocyte deficiency; IMMUNODEFICIENCY 21. Identifiers: Orphanet 228423, MedGen C3280030, MONDO:0013607, OMIM 614172.

Submissions (2):

Labcorp Genetics (formerly Invitae), Labcorp
Classification: Pathogenic for Monocytopenia with susceptibility to infections; Deafness-lymphedema-leukemia syndrome. Last evaluated: 2025-08-24. Review status: criteria provided, single submitter. Criteria: Invitae Variant Classification Sherloc (09022015). Collection method: clinical testing. Allele origin: germline.
Comment: This sequence change affects an acceptor splice site in intron 4 of the GATA2 gene. It is expected to disrupt RNA splicing. Variants that disrupt the donor or acceptor splice site typically lead to a loss of protein function (PMID: 16199547), and loss-of-function variants in GATA2 are known to be pathogenic (PMID: 21670465, 23223431). This variant is not present in population databases (gnomAD no frequency). Disruption of this splice site has been observed in individual(s) with myelodysplastic syndrome (PMID: 26702063). ClinVar contains an entry for this variant (Variation ID: 1184182). Studies have shown that disruption of this splice site alters mRNA splicing and is expected to lead to the loss of protein expression (PMID: 26022708). For these reasons, this variant has been classified as Pathogenic.

Molecular Pathology Research Laboratory, SA Pathology
Classification: Pathogenic for GATA2 deficiency with susceptibility to MDS/AML; Deafness-lymphedema-leukemia syndrome. Last evaluated: 2021-07-06. Review status: criteria provided, single submitter. Criteria: ACMG Guidelines, 2015. Collection method: curation. Allele origin: unknown. Inheritance: Autosomal dominant inheritance. Affected: yes. Observed: 1 variant allele.
Comment: PVS1, PS4_Supporting, PM2

Literature cited by the submitters: PubMed 16199547 (cited by Labcorp Genetics (formerly Invitae), Labcorp); PubMed 21670465 (cited by Labcorp Genetics (formerly Invitae), Labcorp); PubMed 23223431 (cited by Labcorp Genetics (formerly Invitae), Labcorp); PubMed 26702063 (cited by Labcorp Genetics (formerly Invitae), Labcorp and Molecular Pathology Research Laboratory, SA Pathology); PubMed 26022708 (cited by Labcorp Genetics (formerly Invitae), Labcorp).